The following is an entry in ClinVar:

ClinVar aggregate classification (germline): Benign/Likely benign. Review status: criteria provided, multiple submitters, no conflicts (2 of 4 stars). 4 submissions from 4 submitters: Benign (2); Likely benign (1). 1 of the submissions does not count toward it. Last evaluated 2023-10-11.

Conditions:
Cardiovascular phenotype. Identifiers: MedGen CN230736.
APOC3-related disorder. Also called: APOC3-related condition.

Allele frequency attached by ClinVar (database versions not stated): gnomAD 0.00004 and 0.00009; TOPMed 0.00011; ExAC 0.00032; gnomAD exomes 0.00036; 1000 Genomes Project 0.00060; 1000 Genomes Project 30x 0.00062.
gnomAD v4.1: 174 of 1,613,244 alleles (0.011%); highest among the groups gnomAD compares: East Asian, 0.35%; no homozygotes.

Submissions (5):

Labcorp Genetics (formerly Invitae), Labcorp
Classification: Benign. Last evaluated: 2023-10-11. Review status: criteria provided, single submitter. Criteria: Invitae Variant Classification Sherloc (09022015). Collection method: clinical testing. Allele origin: germline.

Ambry Genetics
Classification: Likely benign for Cardiovascular phenotype. Last evaluated: 2022-03-03. Review status: criteria provided, single submitter. Criteria: Ambry Variant Classification Scheme 2023. Collection method: clinical testing. Allele origin: germline.

Women's Health and Genetics/Laboratory Corporation of America, LabCorp
Classification: Benign. Last evaluated: 2021-10-02. Review status: criteria provided, single submitter. Criteria: LabCorp Variant Classification Summary - May 2015. Collection method: clinical testing. Allele origin: germline.

PreventionGenetics, part of Exact Sciences
Classification: Likely benign for APOC3-related condition. Last evaluated: 2019-05-30. Review status: no assertion criteria provided. Collection method: clinical testing. Allele origin: germline. Not counted in ClinVar's aggregate classification.
Comment: This variant is classified as likely benign based on ACMG/AMP sequence variant interpretation guidelines (Richards et al. 2015 PMID: 25741868, with internal and published modifications).

Dr. Peter K. Rogan Lab, Western University
No classification provided (evidence only). Condition: Hepatocellular carcinoma. Review status: no classification provided. Collection method: in vitro. Allele origin: not applicable. Functional consequence: retained intron. Not counted in ClinVar's aggregate classification.

NM_000040.3(APOC3):c.99G>A (p.Gln33=)

Gene: APOC3 (apolipoprotein C3; plus strand). Cytogenetic location: 11q23.3.
Variant type: single nucleotide variant.
Coding change: c.99G>A on transcript NM_000040.3 (MANE Select); coding-DNA position 99, G replaced by A.
Protein change: p.Gln33=; no amino-acid change (glutamine 33 retained).
Molecular consequence: synonymous variant.
Genome position (GRCh38, 1-based): chr11:116,830,816, G>A. VCF-style: chr11-116830816-G-A. GRCh37 (hg19) VCF-style: chr11-116701532-G-A.
Identifiers: ClinVar variation 1321458 (VCV001321458.11), dbSNP rs200557528, ClinGen allele CA6289654.